The following is an entry in ClinVar:

NM_017514.5(PLXNA3):c.1056C>T (p.Arg352=)

Gene: PLXNA3 (plexin A3; plus strand). Cytogenetic location: Xq28.
Variant type: single nucleotide variant.
Coding change: c.1056C>T on transcript NM_017514.5 (MANE Select); coding-DNA position 1056, C replaced by T.
Protein change: p.Arg352=; no amino-acid change (arginine 352 retained).
Molecular consequence: synonymous variant.
Genome position (GRCh38, 1-based): chrX:154,461,560, C>T. VCF-style: chrX-154461560-C-T. GRCh37 (hg19) VCF-style: chrX-153689900-C-T.
Identifiers: ClinVar variation 3031917 (VCV003031917.2), dbSNP rs782046195, ClinGen allele CA10563893.

ClinVar aggregate classification (germline): Likely benign (0 of 4 stars; one submission).

Conditions:
PLXNA3-related disorder. Also called: PLXNA3-related condition.

Allele frequency attached by ClinVar (database versions not stated): gnomAD exomes 0.00002; TOPMed 0.00004; ExAC 0.00005.
gnomAD v4.1: 21 of 1,209,470 alleles (0.0017%); highest among the groups gnomAD compares: Admixed American, 0.041%; no homozygotes.

Submission:

PreventionGenetics, part of Exact Sciences
Classification: Likely benign for PLXNA3-related condition. Last evaluated: 2022-03-23. Review status: no assertion criteria provided. Collection method: clinical testing. Allele origin: germline.
Comment: This variant is classified as likely benign based on ACMG/AMP sequence variant interpretation guidelines (Richards et al. 2015 PMID: 25741868, with internal and published modifications).